The following is an entry in ClinVar:

ClinVar aggregate classification (germline): Likely pathogenic (1 of 4 stars; one submission).

Conditions:
PDP1-related disorder. Also called: PDP1-related condition.

Submission:

PreventionGenetics, part of Exact Sciences
Classification: Likely pathogenic for PDP1-related condition. Last evaluated: 2025-11-11. Review status: criteria provided, single submitter. Criteria: ACMG Guidelines, 2015. Collection method: clinical testing. Allele origin: germline.
Comment: The PDP1 c.354delA variant is predicted to result in a frameshift and premature protein termination (p.Glu118Aspfs*82). To our knowledge, this variant has not been reported in the literature or in a large population database (gnomAD), indicating this variant is rare. Frameshift variants in PDP1 are expected to be pathogenic. This variant is interpreted as likely pathogenic.

NM_018444.4(PDP1):c.279del (p.Glu93fs)

Gene: PDP1 (pyruvate dehydrogenase phosphatase catalytic subunit 1; plus strand). Cytogenetic location: 8q22.1.
Variant type: Deletion.
Coding change: c.279del on transcript NM_018444.4 (MANE Select); coding-DNA position 279, one base deleted (A; older notation c.279delA).
Protein change: p.Glu93fs; shifts the reading frame from glutamic acid 93.
Molecular consequence: frameshift variant.
Genome position (GRCh38, 1-based): chr8:93,922,338, A deleted; the last of 2 consecutive A bases (chr8:93,922,337-93,922,338); deleting either gives the same sequence. VCF-style (leftmost placement, unchanged base first): chr8-93922336-GA-G. GRCh37 (hg19) VCF-style: chr8-94934564-GA-G.
Other names: c.354del, p.Glu118fs (NM_001161779.2, NM_001161780.2); c.279del, p.Glu93fs (NM_001161781.2); short protein forms E118fs, E93fs.
Identifiers: ClinVar variation 4992565 (VCV004992565.1).
Genomic context (GRCh38, chr8:93,922,336, plus strand): 5'-TCCACACCACAGAAATTTTACCTCACACCTCCACAAGTCAATAGCATCCTTAAAGCTAAT[GA>G]ATACAGTTTCAAAGTGCCAGAATTTGACGGCAAAAATGTCAGTTCTATCCTTGGATTTGA-3'